The following is an entry in ClinVar:

ClinVar aggregate classification (germline): Uncertain significance (1 of 4 stars; one submission).

Conditions:
Hereditary cancer-predisposing syndrome. Also called: Neoplastic Syndromes, Hereditary; Tumor predisposition; Hereditary neoplastic syndrome; Hereditary Cancer Syndrome. Identifiers: Orphanet 140162, MedGen C0027672, MeSH D009386, MONDO:0015356.

Allele frequency attached by ClinVar (database versions not stated): TOPMed below 0.00001.

Submission:

Ambry Genetics
Classification: Uncertain significance for Hereditary cancer-predisposing syndrome. Last evaluated: 2024-01-31. Review status: criteria provided, single submitter. Criteria: Ambry Variant Classification Scheme 2023. Collection method: clinical testing. Allele origin: germline.
Comment: The p.P975S variant (also known as c.2923C>T), located in coding exon 18 of the PTCH1 gene, results from a C to T substitution at nucleotide position 2923. The proline at codon 975 is replaced by serine, an amino acid with similar properties. This amino acid position is conserved. In addition, this alteration is predicted to be deleterious by in silico analysis. Based on the available evidence, the clinical significance of this alteration remains unclear.

NM_000264.5(PTCH1):c.2923C>T (p.Pro975Ser)

Gene: PTCH1 (patched 1; minus strand). Cytogenetic location: 9q22.32.
Variant type: single nucleotide variant.
Coding change: c.2923C>T on transcript NM_000264.5 (MANE Select); coding-DNA position 2923, C replaced by T.
Protein change: p.Pro975Ser; replaces proline 975 with serine.
Molecular consequence: missense variant. On other transcripts: non-coding transcript variant (1).
Genome position (GRCh38, 1-based): chr9:95,458,258, G>A on the plus strand (C>T on the coding strand, the complement: PTCH1 is on the minus strand). VCF-style: chr9-95458258-G-A. GRCh37 (hg19) VCF-style: chr9-98220540-G-A.
Other names: c.2725C>T, p.Pro909Ser (NM_001083602.3); c.2920C>T, p.Pro974Ser (NM_001083603.3); c.2470C>T, p.Pro824Ser (NM_001083604.3, NM_001083605.3, NM_001083606.3 and 1 more transcripts); c.2767C>T, p.Pro923Ser (NM_001354918.2); short protein forms P824S, P909S, P923S, P974S, P975S.
Identifiers: ClinVar variation 3230996 (VCV003230996.1), dbSNP rs1839134486, ClinGen allele CA374112772.